The following is an entry in ClinVar:

NM_001378615.1(CC2D2A):c.4550C>T (p.Thr1517Ile)

Genes: CC2D2A (coiled-coil and C2 domain containing 2A; plus strand), FBXL5 (F-box and leucine rich repeat protein 5; minus strand). Cytogenetic location: 4p15.32.
Variant type: single nucleotide variant.
Coding change: c.4550C>T on transcript NM_001378615.1 (MANE Select); coding-DNA position 4550, C replaced by T.
Protein change: p.Thr1517Ile; replaces threonine 1517 with isoleucine.
Molecular consequence: missense variant.
Genome position (GRCh38, 1-based): chr4:15,599,582, C>T. VCF-style: chr4-15599582-C-T. GRCh37 (hg19) VCF-style: chr4-15601205-C-T.
Other names: c.4550C>T, p.Thr1517Ile (NM_001080522.2); c.4403C>T, p.Thr1468Ile (NM_001378617.1); short protein forms T1517I, T1468I.
Identifiers: ClinVar variation 663886 (VCV000663886.9), dbSNP rs780673487, ClinGen allele CA356433891.

ClinVar aggregate classification (germline): Conflicting classifications of pathogenicity. Review status: criteria provided, conflicting classifications (1 of 4 stars). 3 submissions from 3 submitters: Pathogenic (1); Likely pathogenic (1); Uncertain significance (1). Last evaluated 2026-02-18.

Conditions:
Joubert syndrome. Also called: JOUBERT-BOLTSHAUSER SYNDROME; Familial aplasia of the vermis. Identifiers: Orphanet 475, MedGen C5979921, MONDO:0018772.
Meckel-Gruber syndrome. Also called: Dysencephalia splachnocystica; DYSENCEPHALIA SPLANCHNOCYSTICA; GRUBER SYNDROME. Identifiers: Orphanet 564, MedGen C0265215, MONDO:0018921.
Joubert syndrome 9 (JBTS9). Identifiers: Orphanet 2318, MedGen C2676788, MONDO:0012849, OMIM 612285.

Submissions (3):

Institute of Medical Genetics and Applied Genomics, University Hospital Tübingen
Classification: Likely pathogenic for Joubert syndrome 9. Last evaluated: 2026-02-18. Review status: criteria provided, single submitter. Criteria: ACMG Guidelines, 2015. Collection method: clinical testing. Allele origin: germline. Inheritance: Autosomal recessive inheritance. Affected: yes.

Women's Health and Genetics/Laboratory Corporation of America, LabCorp
Classification: Uncertain significance. Last evaluated: 2025-04-22. Review status: criteria provided, single submitter. Criteria: LabCorp Variant Classification Summary - May 2015. Collection method: clinical testing. Allele origin: germline.
Comment: Variant summary: CC2D2A c.4550C>T (p.Thr1517Ile) results in a non-conservative amino acid change in the encoded protein sequence. Five of five in-silico tools predict a damaging effect of the variant on protein function. The variant was absent in 246472 control chromosomes. The available data on variant occurrences in the general population are insufficient to allow any conclusion about variant significance. c.4550C>T has been observed in individual(s) affected with Joubert Syndrome (internal data). These data do not allow any conclusion about variant significance. To our knowledge, no experimental evidence demonstrating an impact on protein function has been reported. ClinVar contains an entry for this variant (Variation ID: 663886). Based on the evidence outlined above, the variant was classified as uncertain significance.

Labcorp Genetics (formerly Invitae), Labcorp
Classification: Pathogenic for Joubert syndrome; Meckel-Gruber syndrome. Last evaluated: 2023-03-10. Review status: criteria provided, single submitter. Criteria: Invitae Variant Classification Sherloc (09022015). Collection method: clinical testing. Allele origin: germline.
Comment: This sequence change replaces threonine, which is neutral and polar, with isoleucine, which is neutral and non-polar, at codon 1517 of the CC2D2A protein (p.Thr1517Ile). This variant is not present in population databases (gnomAD no frequency). This missense change has been observed in individual(s) with clinical features of Joubert syndrome (Invitae). In at least one individual the data is consistent with being in trans (on the opposite chromosome) from a pathogenic variant. ClinVar contains an entry for this variant (Variation ID: 663886). Advanced modeling of protein sequence and biophysical properties (such as structural, functional, and spatial information, amino acid conservation, physicochemical variation, residue mobility, and thermodynamic stability) performed at Invitae indicates that this missense variant is expected to disrupt CC2D2A protein function. This variant disrupts the p.Thr1517 amino acid residue in CC2D2A. Other variant(s) that disrupt this residue have been determined to be pathogenic (PMID: 24706459). This suggests that this residue is clinically significant, and that variants that disrupt this residue are likely to be disease-causing. For these reasons, this variant has been classified as Pathogenic.

Literature cited by the submitters: PubMed 24706459 (cited by Labcorp Genetics (formerly Invitae), Labcorp).